The following is an entry in ClinVar:

NM_000256.3(MYBPC3):c.884del (p.Phe295fs)

Gene: MYBPC3 (myosin binding protein C3; minus strand). Cytogenetic location: 11p11.2.
Variant type: Deletion.
Coding change: c.884del on transcript NM_000256.3 (MANE Select); coding-DNA position 884, one base deleted (T; older notation c.884delT).
Protein change: p.Phe295fs; shifts the reading frame from phenylalanine 295.
Molecular consequence: frameshift variant.
Genome position (GRCh38, 1-based): chr11:47,347,447, A deleted on the plus strand (T on the coding strand, the reverse complement: MYBPC3 is on the minus strand); the first of 2 consecutive A bases (chr11:47,347,447-47,347,448); deleting either gives the same sequence. VCF-style (leftmost placement, unchanged base first): chr11-47347446-GA-G. GRCh37 (hg19) VCF-style: chr11-47368997-GA-G.
Other names: c.884del, p.Phe295fs (LRG_386t1); c.884delT (NM_000256.3); short protein forms F295fs.
Identifiers: ClinVar variation 181112 (VCV000181112.15), dbSNP rs730880684, ClinGen allele CA015996.

ClinVar aggregate classification (germline): Pathogenic/Likely pathogenic. Review status: criteria provided, multiple submitters, no conflicts (2 of 4 stars). 7 submissions from 7 submitters: Pathogenic (3); Likely pathogenic (1). 3 of the submissions do not count toward it. Last evaluated 2025-11-20.

Conditions:
Cardiovascular phenotype. Identifiers: MedGen CN230736.
Hypertrophic cardiomyopathy 4. Also called: Familial hypertrophic cardiomyopathy 4. Identifiers: MedGen C1861862, MONDO:0007268, OMIM 115197.
Left ventricular noncompaction 10 (LVNC10). Identifiers: Orphanet 154, Orphanet 54260, MedGen C3715165, MONDO:0014163, OMIM 615396.
Hypertrophic cardiomyopathy. Also called: HYPERTROPHIC MYOCARDIOPATHY. Identifiers: Orphanet 217569, MedGen C0007194, MeSH D002312, MONDO:0005045, HP:0001639.

Submissions (7):

Labcorp Genetics (formerly Invitae), Labcorp
Classification: Pathogenic for Hypertrophic cardiomyopathy. Last evaluated: 2025-11-20. Review status: criteria provided, single submitter. Criteria: Invitae Variant Classification Sherloc (09022015). Collection method: clinical testing. Allele origin: germline.
Comment: This sequence change creates a premature translational stop signal (p.Phe295Serfs*5) in the MYBPC3 gene. It is expected to result in an absent or disrupted protein product. Loss-of-function variants in MYBPC3 are known to be pathogenic (PMID: 19574547). This variant is not present in population databases (gnomAD no frequency). This premature translational stop signal has been observed in individual(s) with hypertrophic cardiomyopathy (PMID: 30282064). ClinVar contains an entry for this variant (Variation ID: 181112). Algorithms developed to predict the effect of sequence changes on RNA splicing suggest that this variant may disrupt the consensus splice site. For these reasons, this variant has been classified as Pathogenic.

GeneDx
Classification: Pathogenic. Last evaluated: 2022-06-06. Review status: criteria provided, single submitter. Criteria: GeneDx Variant Classification Process June 2021. Collection method: clinical testing. Allele origin: germline. Affected: yes.
Comment: Reported in a patient with sudden death and HCM diagnosed on autopsy who also harbors additional cardiogenetic variants including the p.(R364H) variant in the MYBPC3 gene in cis (Williams et al., 2018); Not observed at significant frequency in large population cohorts (gnomAD); Frameshift variant predicted to result in protein truncation or nonsense mediated decay in a gene for which loss-of-function is a known mechanism of disease; This variant is associated with the following publications: (PMID: 30282064)

Fulgent Genetics
Classification: Likely pathogenic for Hypertrophic cardiomyopathy 4; Left ventricular noncompaction 10. Last evaluated: 2022-02-15. Review status: criteria provided, single submitter. Criteria: ACMG Guidelines, 2015. Collection method: clinical testing. Allele origin: unknown.

Ambry Genetics
Classification: Pathogenic for Cardiovascular phenotype. Last evaluated: 2021-04-20. Review status: criteria provided, single submitter. Criteria: Ambry Variant Classification Scheme 2023. Collection method: clinical testing. Allele origin: germline.
Comment: The c.884delT pathogenic mutation, located in coding exon 9 of the MYBPC3 gene, results from a deletion of one nucleotide at position 884, causing a translational frameshift with a predicted alternate stop codon (p.F295Sfs*5). This variant was reported in a sudden death hypertrophic cardiomyopathy (HCM) case, who was also reported to have the MYBPC3 p.R346H variant in cis, as well as an MYH6 variant; In addition to the clinical data presented in the literature, this alteration is expected to result in loss of function by premature protein truncation or nonsense-mediated mRNA decay. As such, this alteration is interpreted as a disease-causing mutation.

Clinical Genetics DNA and cytogenetics Diagnostics Lab, Erasmus MC, Erasmus Medical Center
Classification: Pathogenic. Review status: no assertion criteria provided. Collection method: clinical testing. Allele origin: germline. Affected: yes. Study: VKGL Data-share Consensus. Not counted in ClinVar's aggregate classification.

Clinical Genetics, Academic Medical Center
Classification: Pathogenic. Review status: no assertion criteria provided. Collection method: clinical testing. Allele origin: germline. Affected: yes. Study: VKGL Data-share Consensus. Not counted in ClinVar's aggregate classification.

Diagnostic Laboratory, Department of Genetics, University Medical Center Groningen
Classification: Pathogenic for Hypertrophic cardiomyopathy 4. Review status: no assertion criteria provided. Collection method: clinical testing. Allele origin: germline. Affected: yes. Study: VKGL Data-share Consensus. Not counted in ClinVar's aggregate classification.

Literature cited by the submitters: PubMed 19574547 (cited by Labcorp Genetics (formerly Invitae), Labcorp); PubMed 30282064 (cited by Labcorp Genetics (formerly Invitae), Labcorp and Ambry Genetics).